The following is an entry in ClinVar:

NM_000218.3(KCNQ1):c.1894dup (p.Arg632fs)

Genes: KCNQ1 (potassium voltage-gated channel subfamily Q member 1; plus strand), KCNQ1-AS1 (KCNQ1 antisense RNA 1; minus strand). Cytogenetic location: 11p15.4.
Variant type: Duplication.
Coding change: c.1894dup on transcript NM_000218.3 (MANE Select); coding-DNA position 1894, one base duplicated (A; older notation c.1894dupA).
Protein change: p.Arg632fs; shifts the reading frame from arginine 632.
Molecular consequence: frameshift variant.
Genome position (GRCh38, 1-based): chr11:2,847,866, A duplicated. VCF-style (leftmost placement, unchanged base first): chr11-2847865-C-CA. GRCh37 (hg19) VCF-style: chr11-2869095-C-CA.
Other names: c.1894dupA (NM_000218.2); c.1798dup, p.Arg600Lysfs (NM_001406836.1); c.1624dup, p.Arg542Lysfs (NM_001406837.1); c.1354dup, p.Arg452Lysfs (NM_001406838.1); c.406dup, p.Arg136Lysfs (NM_001406839.1); c.1513dup, p.Arg505Lysfs (NM_181798.2); short protein forms R632fs, R505fs.
Identifiers: ClinVar variation 405260 (VCV000405260.14), dbSNP rs397508105, ClinGen allele CA006566.

ClinVar aggregate classification (germline): Pathogenic/Likely pathogenic. Review status: criteria provided, multiple submitters, no conflicts (2 of 4 stars). 3 submissions from 3 submitters: Pathogenic (1); Likely pathogenic (2). Last evaluated 2026-01-13.

Conditions:
Cardiac arrhythmia. Also called: Arrhythmia; Cardiac rhythm disease. Identifiers: MedGen C0003811, MONDO:0007263, HP:0011675.
Long QT syndrome (LQTS). Identifiers: MedGen C0023976, MeSH D008133, MONDO:0002442. Disease mechanism: loss of function. Inheritance: Various modes of inheritance.

Allele frequency attached by ClinVar (database versions not stated): ExAC below 0.00001.

Submissions (3):

GeneDx
Classification: Likely pathogenic. Last evaluated: 2026-01-13. Review status: criteria provided, single submitter. Criteria: GeneDx Variant Classification Process June 2021. Collection method: clinical testing. Allele origin: germline. Affected: yes.
Comment: Frameshift variant predicted to result in abnormal protein length as the last 45 amino acid(s) are replaced with 19 different amino acid(s), and other similar variants have been reported in HGMD; Not observed at significant frequency in large population cohorts (gnomAD); Has not been previously published as pathogenic or benign to our knowledge

Labcorp Genetics (formerly Invitae), Labcorp
Classification: Pathogenic for Long QT syndrome. Last evaluated: 2025-12-16. Review status: criteria provided, single submitter. Criteria: Invitae Variant Classification Sherloc (09022015). Collection method: clinical testing. Allele origin: germline.
Comment: This sequence change creates a premature translational stop signal (p.Arg632Lysfs*20) in the KCNQ1 gene. While this is not anticipated to result in nonsense mediated decay, it is expected to disrupt the last 45 amino acid(s) of the KCNQ1 protein. This variant is not present in population databases (gnomAD no frequency). This variant has not been reported in the literature in individuals affected with KCNQ1-related conditions. ClinVar contains an entry for this variant (Variation ID: 405260). This variant disrupts a region of the KCNQ1 protein in which other variant(s) (p.Arg632Glnfs*20) have been determined to be pathogenic (PMID: 10024302, 10973849, 19825999, 23098067, 23631430, 25187895). This suggests that this is a clinically significant region of the protein, and that variants that disrupt it are likely to be disease-causing. For these reasons, this variant has been classified as Pathogenic.

Color Diagnostics, LLC DBA Color Health
Classification: Likely pathogenic for Cardiac arrhythmia. Last evaluated: 2025-08-26. Review status: criteria provided, single submitter. Criteria: ACMG Guidelines, 2015. Collection method: clinical testing. Allele origin: germline.
Comment: This variant inserts 1 nucleotide in exon 16 of the KCNQ1 gene, creating a frameshift and premature translation stop signal in the last exon. This variant is expected to disrupt the last 45 amino acids of the KCNQ1 protein. To our knowledge, this variant has not been reported in individuals affected with KCNQ1-related disorders in the literature. This variant has not been identified in the general population by the Genome Aggregation Database (gnomAD). A different frameshift variant with a similar protein consequence, c.1893dup (p.Arg632Glnfs*20), is a well documented pathogenic variant due to the protein trafficking defect it causes (ClinVar variation ID: 53027). Based on the available evidence, this variant is classified as Likely Pathogenic.

Literature cited by the submitters: PubMed 10024302 (cited by Labcorp Genetics (formerly Invitae), Labcorp); PubMed 10973849 (cited by Labcorp Genetics (formerly Invitae), Labcorp); PubMed 19825999 (cited by Labcorp Genetics (formerly Invitae), Labcorp); PubMed 23098067 (cited by Labcorp Genetics (formerly Invitae), Labcorp); PubMed 23631430 (cited by Labcorp Genetics (formerly Invitae), Labcorp); PubMed 25187895 (cited by Labcorp Genetics (formerly Invitae), Labcorp).